The following is an entry in ClinVar:

ClinVar aggregate classification (germline): Benign (1 of 4 stars; one submission).

Submission:

ISCA site 4
Classification: Benign. Last evaluated: 2011-08-12. Review status: criteria provided, single submitter. Criteria: Kaminsky et al. (Genet Med. 2011). Collection method: clinical testing. Allele origin: unknown. Affected: yes. Observed: 1 variant allele.
Comment: Copy number variation identified through the course of routine clinical cytogenomic testing in postnatal populations. Clinical assertions have been curated as described in Kaminsky et al. 2011.

GRCh38/hg38 17q25.1(chr17:73851698-74732123)x3

Genes: CD300LF (CD300 molecule like family member f; minus strand), BTBD17 (BTB domain containing 17; minus strand), CD300A (CD300a molecule; plus strand), CD300C (CD300c molecule; minus strand), MGC16275 (uncharacterized protein MGC16275; minus strand) and 42 more. Cytogenetic location: 17q25.1.
Variant type: copy number gain.
Change: copy number 3 (three copies instead of two) of chr17:73,851,698-74,732,123 (880.4 kb, GRCh38 coordinates, 1-based), cytogenetic band 17q25.1.
Identifiers: ClinVar variation 59733 (VCV000059733.1).